The following is an entry in ClinVar:

NM_014946.4(SPAST):c.1016T>C (p.Val339Ala)

Gene: SPAST (spastin; plus strand). Cytogenetic location: 2p22.3.
Variant type: single nucleotide variant.
Coding change: c.1016T>C on transcript NM_014946.4 (MANE Select); coding-DNA position 1016, T replaced by C.
Protein change: p.Val339Ala; replaces valine 339 with alanine.
Molecular consequence: missense variant.
Genome position (GRCh38, 1-based): chr2:32,116,130, T>C. VCF-style: chr2-32116130-T-C. GRCh37 (hg19) VCF-style: chr2-32341199-T-C.
Other names: c.1013T>C, p.Val338Ala (NM_001363823.2); c.917T>C, p.Val306Ala (NM_001363875.2); c.920T>C, p.Val307Ala (NM_001377959.1, NM_199436.2); short protein forms V306A, V307A, V339A, V338A.
Identifiers: ClinVar variation 2030228 (VCV002030228.4), dbSNP rs2465839631, ClinGen allele CA346499618.

ClinVar aggregate classification (germline): Uncertain significance (1 of 4 stars; one submission).

Conditions:
Hereditary spastic paraplegia 4. Also called: Spastic paraplegia 4, autosomal dominant; Spastic Paraplegia 4; Familial spastic paraplegia autosomal dominant 2. Identifiers: Orphanet 100985, MedGen C1866855, MONDO:0008438, OMIM 182601.

Submission:

Labcorp Genetics (formerly Invitae), Labcorp
Classification: Uncertain significance for Hereditary spastic paraplegia 4. Last evaluated: 2023-08-04. Review status: criteria provided, single submitter. Criteria: Invitae Variant Classification Sherloc (09022015). Collection method: clinical testing. Allele origin: germline.
Comment: In summary, the available evidence is currently insufficient to determine the role of this variant in disease. Therefore, it has been classified as a Variant of Uncertain Significance. Advanced modeling of protein sequence and biophysical properties (such as structural, functional, and spatial information, amino acid conservation, physicochemical variation, residue mobility, and thermodynamic stability) has been performed at Invitae for this missense variant, however the output from this modeling did not meet the statistical confidence thresholds required to predict the impact of this variant on SPAST protein function. ClinVar contains an entry for this variant (Variation ID: 2030228). This variant has not been reported in the literature in individuals affected with SPAST-related conditions. This variant is not present in population databases (gnomAD no frequency). This sequence change replaces valine, which is neutral and non-polar, with alanine, which is neutral and non-polar, at codon 339 of the SPAST protein (p.Val339Ala).